The following is an entry in ClinVar:

ClinVar aggregate classification (germline): Conflicting classifications of pathogenicity. Review status: criteria provided, conflicting classifications (1 of 4 stars). 3 submissions from 3 submitters: Likely pathogenic (2); Uncertain significance (1). Last evaluated 2025-12-22.

Conditions:
Familial adenomatous polyposis 2. Also called: COLORECTAL ADENOMATOUS POLYPOSIS, AUTOSOMAL RECESSIVE; ADENOMAS, MULTIPLE COLORECTAL, AUTOSOMAL RECESSIVE; MYH-associated polyposis; MUTYH-associated polyposis; MUTYH-related attenuated familial adenomatous polyposis; MUTYH Polyposis. Identifiers: Orphanet 220460, Orphanet 247798, MedGen C3272841, MONDO:0012041, OMIM 608456.
Hereditary cancer-predisposing syndrome. Also called: Tumor predisposition; Hereditary Cancer Syndrome; Hereditary neoplastic syndrome; Neoplastic Syndromes, Hereditary. Identifiers: Orphanet 140162, MedGen C0027672, MeSH D009386, MONDO:0015356.

Submissions (3):

Labcorp Genetics (formerly Invitae), Labcorp
Classification: Likely pathogenic for Familial adenomatous polyposis 2. Last evaluated: 2025-12-22. Review status: criteria provided, single submitter. Criteria: Invitae Variant Classification Sherloc (09022015). Collection method: clinical testing. Allele origin: germline.
Comment: This sequence change affects a donor splice site in intron 2 of the MUTYH gene. It is expected to disrupt RNA splicing. Variants that disrupt the donor or acceptor splice site typically lead to a loss of protein function (PMID: 16199547), and loss-of-function variants in MUTYH are known to be pathogenic (PMID: 18534194, 20663686). This variant is not present in population databases (gnomAD no frequency). This variant has not been reported in the literature in individuals affected with MUTYH-related conditions. ClinVar contains an entry for this variant (Variation ID: 3073985). Algorithms developed to predict the effect of sequence changes on RNA splicing suggest that this variant may disrupt the consensus splice site. In summary, the currently available evidence indicates that the variant is pathogenic, but additional data are needed to prove that conclusively. Therefore, this variant has been classified as Likely Pathogenic.

Ambry Genetics
Classification: Uncertain significance for Hereditary cancer-predisposing syndrome. Last evaluated: 2024-05-07. Review status: criteria provided, single submitter. Criteria: Ambry Variant Classification Scheme 2023. Collection method: clinical testing. Allele origin: germline.
Comment: The c.157+2T>G intronic variant results from a T to G substitution two nucleotides after coding exon 2 in the MUTYH gene. Alterations that disrupt the canonical splice site are expected to result in aberrant splicing. In silico splice site analysis predicts that this alteration will weaken the native splice donor site and may result in the creation or strengthening of a novel splice donor site. The stop codon in the predicted resulting transcript occurs in the 5' end ofthe MUTYH gene. As such, this alteration may escape nonsense-mediated mRNAdecay and/or be prone to rescue by reinitiation (Rivas et al. Science. 2015 May 8;348(6235):666-9; Lindeboom et al. Nat Genet. 2016 Oct;48(10):1112-8; Rhee et al. Sci Rep. 2017 May 10;7(1):1653). The exact functional effect of this alteration is unknown. This nucleotide position is highly conserved in available vertebrate species. Based on the available evidence, the clinical significance of this variant remains unclear.

All of Us Research Program, National Institutes of Health
Classification: Likely pathogenic for Familial adenomatous polyposis 2. Last evaluated: 2024-03-05. Review status: criteria provided, single submitter. Criteria: ACMG Guidelines, 2015. Collection method: clinical testing. Allele origin: germline. Inheritance: Autosomal recessive inheritance. Observed: 2 variant alleles, 2 heterozygotes.
Comment: This study involves interpretation of variants in research participants for the purpose of population health screening. Participant phenotype was not available at the time of variant classification. Additional details can be found in publication PMID: 35346344, PMCID: PMC8962531

Literature cited by the submitters: PubMed 16199547 (cited by Labcorp Genetics (formerly Invitae), Labcorp); PubMed 18534194 (cited by Labcorp Genetics (formerly Invitae), Labcorp); PubMed 20663686 (cited by Labcorp Genetics (formerly Invitae), Labcorp).

NM_001048174.2(MUTYH):c.115+2T>G

Gene: MUTYH (mutY DNA glycosylase; minus strand). Cytogenetic location: 1p34.1.
Variant type: single nucleotide variant.
Coding change: c.115+2T>G on transcript NM_001048174.2 (MANE Select); the canonical splice donor site of the intron after coding-DNA position 115, T replaced by G.
Molecular consequence: splice donor variant.
Genome position (GRCh38, 1-based): chr1:45,334,389, A>C on the plus strand (T>G on the coding strand, the complement: MUTYH is on the minus strand). VCF-style: chr1-45334389-A-C. GRCh37 (hg19) VCF-style: chr1-45800061-A-C.
Other names: c.115+2T>G (NM_001407072.1, NM_001048171.2, NM_001407070.1 and 15 more transcripts); c.-93+2T>G (NM_001350651.2, NM_001407082.1); c.-98+2T>G (NM_001293192.2, NM_001293196.2, NM_001407091.1); c.-157+2T>G (NM_001350650.2); c.157+2T>G (NM_001407073.1, NM_001293190.2, NM_001407069.1 and 3 more transcripts); c.-42+2T>G (NM_001407075.1); c.133+2T>G (NM_001407087.1).
Identifiers: ClinVar variation 3073985 (VCV003073985.4), dbSNP rs2524349632, ClinGen allele CA340136912.